The following is an entry in ClinVar:

ClinVar aggregate classification (germline): Uncertain significance (1 of 4 stars; one submission).

Submission:

Labcorp Genetics (formerly Invitae), Labcorp
Classification: Uncertain significance. Last evaluated: 2024-02-08. Review status: criteria provided, single submitter. Criteria: Invitae Variant Classification Sherloc (09022015). Collection method: clinical testing. Allele origin: germline.
Comment: This sequence change replaces glutamic acid, which is acidic and polar, with aspartic acid, which is acidic and polar, at codon 1612 of the ALPK3 protein (p.Glu1612Asp). This variant is not present in population databases (gnomAD no frequency). This variant has not been reported in the literature in individuals affected with ALPK3-related conditions. Advanced modeling of protein sequence and biophysical properties (such as structural, functional, and spatial information, amino acid conservation, physicochemical variation, residue mobility, and thermodynamic stability) performed at Invitae indicates that this missense variant is not expected to disrupt ALPK3 protein function with a negative predictive value of 80%. In summary, the available evidence is currently insufficient to determine the role of this variant in disease. Therefore, it has been classified as a Variant of Uncertain Significance.

NM_020778.5(ALPK3):c.4230G>T (p.Glu1410Asp)

Gene: ALPK3 (alpha kinase 3; plus strand). Cytogenetic location: 15q25.3.
Variant type: single nucleotide variant.
Coding change: c.4230G>T on transcript NM_020778.5 (MANE Select); coding-DNA position 4230, G replaced by T.
Protein change: p.Glu1410Asp; replaces glutamic acid 1410 with aspartic acid.
Molecular consequence: missense variant.
Genome position (GRCh38, 1-based): chr15:84,862,735, G>T. VCF-style: chr15-84862735-G-T. GRCh37 (hg19) VCF-style: chr15-85405966-G-T.
Other names: short protein forms E1410D.
Identifiers: ClinVar variation 2764923 (VCV002764923.3), dbSNP rs1237621560, ClinGen allele CA393362832.